The following is an entry in ClinVar:

NM_001844.5(COL2A1):c.4330A>G (p.Lys1444Glu)

Gene: COL2A1 (collagen type II alpha 1 chain; minus strand). Cytogenetic location: 12q13.11.
Variant type: single nucleotide variant.
Coding change: c.4330A>G on transcript NM_001844.5 (MANE Select); coding-DNA position 4330, A replaced by G.
Protein change: p.Lys1444Glu; replaces lysine 1444 with glutamic acid.
Molecular consequence: missense variant.
Genome position (GRCh38, 1-based): chr12:47,973,541, T>C on the plus strand (A>G on the coding strand, the complement: COL2A1 is on the minus strand). VCF-style: chr12-47973541-T-C. GRCh37 (hg19) VCF-style: chr12-48367324-T-C.
Other names: c.4123A>G, p.Lys1375Glu (NM_033150.3); short protein forms K1375E, K1444E.
Identifiers: ClinVar variation 4747035 (VCV004747035.1).

ClinVar aggregate classification (germline): Uncertain significance (1 of 4 stars; one submission).

Submission:

Labcorp Genetics (formerly Invitae), Labcorp
Classification: Uncertain significance. Last evaluated: 2025-03-04. Review status: criteria provided, single submitter. Criteria: Invitae Variant Classification Sherloc (09022015). Collection method: clinical testing. Allele origin: germline.
Comment: This sequence change replaces lysine, which is basic and polar, with glutamic acid, which is acidic and polar, at codon 1444 of the COL2A1 protein (p.Lys1444Glu). This variant is not present in population databases (gnomAD no frequency). This variant has not been reported in the literature in individuals affected with COL2A1-related conditions. Invitae Evidence Modeling of protein sequence and biophysical properties (such as structural, functional, and spatial information, amino acid conservation, physicochemical variation, residue mobility, and thermodynamic stability) indicates that this missense variant is not expected to disrupt COL2A1 protein function with a negative predictive value of 95%. In summary, the available evidence is currently insufficient to determine the role of this variant in disease. Therefore, it has been classified as a Variant of Uncertain Significance.